The following is an entry in ClinVar:

ClinVar aggregate classification (germline): Uncertain significance. Review status: criteria provided, multiple submitters, no conflicts (2 of 4 stars). 2 submissions from 2 submitters: Uncertain significance (2). Last evaluated 2024-09-03.

Conditions:
Inborn genetic diseases. Identifiers: MedGen C0950123, MeSH D030342.

Allele frequency attached by ClinVar (database versions not stated): gnomAD 0.00002; TOPMed 0.00006; gnomAD exomes 0.00007; ExAC 0.00011; 1000 Genomes Project 30x 0.00031.
gnomAD v4.1: 106 of 1,589,082 alleles (0.0067%); highest among the groups gnomAD compares: Admixed American, 0.018%; 1 homozygote.

Submissions (2):

Ambry Genetics
Classification: Uncertain significance for Inborn genetic diseases. Last evaluated: 2024-09-03. Review status: criteria provided, single submitter. Criteria: Ambry Variant Classification Scheme 2023. Collection method: clinical testing. Allele origin: germline.

Labcorp Genetics (formerly Invitae), Labcorp
Classification: Uncertain significance. Last evaluated: 2022-09-13. Review status: criteria provided, single submitter. Criteria: Invitae Variant Classification Sherloc (09022015). Collection method: clinical testing. Allele origin: germline.
Comment: This sequence change replaces leucine, which is neutral and non-polar, with valine, which is neutral and non-polar, at codon 4 of the PPA2 protein (p.Leu4Val). This variant is present in population databases (rs771074482, gnomAD 0.02%). This variant has not been reported in the literature in individuals affected with PPA2-related conditions. Algorithms developed to predict the effect of missense changes on protein structure and function are either unavailable or do not agree on the potential impact of this missense change (SIFT: "Tolerated"; PolyPhen-2: "Probably Damaging"; Align-GVGD: "Class C0"). In summary, the available evidence is currently insufficient to determine the role of this variant in disease. Therefore, it has been classified as a Variant of Uncertain Significance.

NM_176869.3(PPA2):c.10C>G (p.Leu4Val)

Gene: PPA2 (inorganic pyrophosphatase 2; minus strand). Cytogenetic location: 4q24.
Variant type: single nucleotide variant.
Coding change: c.10C>G on transcript NM_176869.3 (MANE Select); coding-DNA position 10, C replaced by G.
Protein change: p.Leu4Val; replaces leucine 4 with valine.
Molecular consequence: missense variant.
Genome position (GRCh38, 1-based): chr4:105,474,041, G>C on the plus strand (C>G on the coding strand, the complement: PPA2 is on the minus strand). VCF-style: chr4-105474041-G-C. GRCh37 (hg19) VCF-style: chr4-106395198-G-C.
Other names: c.10C>G, p.Leu4Val (NM_006903.4, NM_176866.2, NM_176867.3); c.10C>G (NM_176869.2); short protein forms L4V.
Identifiers: ClinVar variation 2414342 (VCV002414342.4), dbSNP rs771074482, ClinGen allele CA3032883.